The following is an entry in ClinVar:

ClinVar aggregate classification (germline): Uncertain significance (1 of 4 stars; one submission).

Conditions:
Autosomal recessive early-onset Parkinson disease 6 (PARK6). Also called: PARKINSON DISEASE 6, MODIFIER OF; PARKINSON DISEASE 6, EARLY-ONSET; PINK1 Type of Young-Onset Parkinson Disease; PINK1-Related Parkinson Disease. Identifiers: Orphanet 2828, MedGen C1853833, MONDO:0011613, OMIM 605909.

Submission:

Labcorp Genetics (formerly Invitae), Labcorp
Classification: Uncertain significance for Autosomal recessive early-onset Parkinson disease 6. Last evaluated: 2022-04-13. Review status: criteria provided, single submitter. Criteria: Invitae Variant Classification Sherloc (09022015). Collection method: clinical testing. Allele origin: germline.
Comment: This sequence change falls in intron 1 of the PINK1 gene. It does not directly change the encoded amino acid sequence of the PINK1 protein. It affects a nucleotide within the consensus splice site. This variant is not present in population databases (gnomAD no frequency). This variant has not been reported in the literature in individuals affected with PINK1-related conditions. Variants that disrupt the consensus splice site are a relatively common cause of aberrant splicing (PMID: 17576681, 9536098). Algorithms developed to predict the effect of sequence changes on RNA splicing suggest that this variant is not likely to affect RNA splicing. In summary, the available evidence is currently insufficient to determine the role of this variant in disease. Therefore, it has been classified as a Variant of Uncertain Significance.

Literature cited by the submitters: PubMed 17576681; PubMed 9536098.

NM_032409.3(PINK1):c.387+5G>C

Gene: PINK1 (PTEN induced kinase 1; plus strand). Cytogenetic location: 1p36.12.
Variant type: single nucleotide variant.
Coding change: c.387+5G>C on transcript NM_032409.3 (MANE Select); 5 bases into the intron after coding-DNA position 387, G replaced by C.
Molecular consequence: intron variant.
Genome position (GRCh38, 1-based): chr1:20,633,940, G>C. VCF-style: chr1-20633940-G-C. GRCh37 (hg19) VCF-style: chr1-20960433-G-C.
Identifiers: ClinVar variation 1987480 (VCV001987480.4), dbSNP rs2053024139, ClinGen allele CA1157612058.
Genomic context (GRCh38, chr1:20,633,940, plus strand): 5'-TCGAGGAAAAACAGGCGGAGAGCCGGCGGGCGGTCTCGGCCTGTCAGGAGATCCAGGTGA[G>C]CGGGGCCGGGTCCTAAGCCGAGCGGAGGACGGAGCTAAGCGCGGGGGCGGGTCCTCAGCT-3'